The following is an entry in ClinVar:

NM_007294.4(BRCA1):c.266T>G (p.Ile89Ser)

Gene: BRCA1 (BRCA1 DNA repair associated; minus strand). Cytogenetic location: 17q21.31.
Variant type: single nucleotide variant.
Coding change: c.266T>G on transcript NM_007294.4 (MANE Select); coding-DNA position 266, T replaced by G.
Protein change: p.Ile89Ser; replaces isoleucine 89 with serine.
Molecular consequence: missense variant. On other transcripts: non-coding transcript variant (1).
Genome position (GRCh38, 1-based): chr17:43,104,903, A>C on the plus strand (T>G on the coding strand, the complement: BRCA1 is on the minus strand). VCF-style: chr17-43104903-A-C. GRCh37 (hg19) VCF-style: chr17-41256920-A-C.
Other names: c.266T>G, p.Ile89Ser (NM_001407622.1, NM_001407623.1, NM_001407624.1 and 168 more transcripts); c.188T>G, p.Ile63Ser (NM_001407653.1, NM_001407654.1, NM_001407655.1 and 21 more transcripts); c.125T>G, p.Ile42Ser (NM_001407692.1, NM_001407694.1, NM_001407695.1 and 99 more transcripts); c.56T>G, p.Ile19Ser (NM_001407853.1, NM_001407879.1, NM_001407881.1 and 58 more transcripts); c.-116T>G (NM_001407959.1, NM_001407960.1, NM_001407962.1 and 4 more transcripts); c.134T>G, p.Ile45Ser (NM_001408451.1); short protein forms I89S, I42S, I19S, I45S, I63S.
Identifiers: ClinVar variation 868816 (VCV000868816.3), dbSNP rs80357097, ClinGen allele CA10601621.

Conditions:
Breast-ovarian cancer, familial, susceptibility to, 1 (BROVCA1). Also called: BRCA1 Hereditary Breast and Ovarian Cancer; OVARIAN CANCER, SUSCEPTIBILITY TO. Identifiers: Orphanet 145, MedGen C2676676, MONDO:0011450, OMIM 604370. Disease mechanism: loss of function.

Submission:

Brotman Baty Institute, University of Washington
No classification provided (evidence only). Condition: Breast-ovarian cancer, familial 1. Review status: no classification provided. Collection method: in vitro. Allele origin: not applicable. Functional consequence: function_uncertain_variant.
ClinVar note: "not provided" was previously submitted as the classification for the variant. However, the classification appeared to be based only on an observation of functional data so it was converted to no classification on 2025-07-30.